The following is an entry in ClinVar:

NM_194277.3(FRMD7):c.1481A>G (p.Gln494Arg)

Gene: FRMD7 (FERM domain containing 7; minus strand). Cytogenetic location: Xq26.2.
Variant type: single nucleotide variant.
Coding change: c.1481A>G on transcript NM_194277.3 (MANE Select); coding-DNA position 1481, A replaced by G.
Protein change: p.Gln494Arg; replaces glutamine 494 with arginine.
Molecular consequence: missense variant.
Genome position (GRCh38, 1-based): chrX:132,078,536, T>C on the plus strand (A>G on the coding strand, the complement: FRMD7 is on the minus strand). VCF-style: chrX-132078536-T-C. GRCh37 (hg19) VCF-style: chrX-131212564-T-C.
Other names: c.1436A>G, p.Gln479Arg (NM_001306193.2); short protein forms Q479R, Q494R.
Identifiers: ClinVar variation 913295 (VCV000913295.10), dbSNP rs199576118, ClinGen allele CA10518857.

ClinVar aggregate classification (germline): Uncertain significance. Review status: criteria provided, multiple submitters, no conflicts (2 of 4 stars). 3 submissions from 3 submitters: Uncertain significance (3). Last evaluated 2024-08-22.

Conditions:
Nystagmus 1, congenital, X-linked. Also called: NYSTAGMUS, INFANTILE IDIOPATHIC; NYSTAGMUS 1, INFANTILE, X-LINKED; NYSTAGMUS, CONGENITAL MOTOR, 1; NYSTAGMUS, INFANTILE PERIODIC ALTERNATING, X-LINKED; FRMD7-Related Infantile Nystagmus. Identifiers: MedGen C1839580, MONDO:0010693, OMIM 310700.

Allele frequency attached by ClinVar (database versions not stated): ExAC 0.00001; gnomAD exomes 0.00001 and 0.00007; TOPMed 0.00001; gnomAD 0.00004 and 0.00006; 1000 Genomes Project 30x 0.00021; 1000 Genomes Project 0.00026.

Submissions (3):

Labcorp Genetics (formerly Invitae), Labcorp
Classification: Uncertain significance. Last evaluated: 2024-08-22. Review status: criteria provided, single submitter. Criteria: Invitae Variant Classification Sherloc (09022015). Collection method: clinical testing. Allele origin: germline.
Comment: This sequence change replaces glutamine, which is neutral and polar, with arginine, which is basic and polar, at codon 494 of the FRMD7 protein (p.Gln494Arg). This variant is present in population databases (rs199576118, gnomAD 0.007%). This variant has not been reported in the literature in individuals affected with FRMD7-related conditions. ClinVar contains an entry for this variant (Variation ID: 913295). An algorithm developed to predict the effect of missense changes on protein structure and function (PolyPhen-2) suggests that this variant is likely to be disruptive. In summary, the available evidence is currently insufficient to determine the role of this variant in disease. Therefore, it has been classified as a Variant of Uncertain Significance.

Blueprint Genetics
Classification: Uncertain significance. Last evaluated: 2022-04-01. Review status: criteria provided, single submitter. Criteria: ACMG Guidelines, 2015. Collection method: clinical testing. Allele origin: germline.

Illumina Laboratory Services, Illumina
Classification: Uncertain significance for Nystagmus 1, congenital, X-linked. Last evaluated: 2018-01-13. Review status: criteria provided, single submitter. Criteria: ICSL Variant Classification Criteria 13 December 2019. Collection method: clinical testing. Allele origin: germline.